The following is an entry in ClinVar:

NM_007215.4(POLG2):c.1191+4A>T

Genes: MILR1 (mast cell immunoglobulin like receptor 1; plus strand), POLG2 (DNA polymerase gamma 2, accessory subunit; minus strand). Cytogenetic location: 17q23.3.
Variant type: single nucleotide variant.
Coding change: c.1191+4A>T on transcript NM_007215.4 (MANE Select); 4 bases into the intron after coding-DNA position 1191, A replaced by T.
Molecular consequence: intron variant.
Genome position (GRCh38, 1-based): chr17:64,482,915, T>A on the plus strand (A>T on the coding strand, the complement: POLG2 is on the minus strand). VCF-style: chr17-64482915-T-A. GRCh37 (hg19) VCF-style: chr17-62479032-T-A.
Identifiers: ClinVar variation 2954829 (VCV002954829.3), dbSNP rs1447733589, ClinGen allele CA774034902.

ClinVar aggregate classification (germline): Uncertain significance (1 of 4 stars; one submission).

Allele frequency attached by ClinVar (database versions not stated): TOPMed 0.00001.

Submission:

Labcorp Genetics (formerly Invitae), Labcorp
Classification: Uncertain significance. Last evaluated: 2023-11-17. Review status: criteria provided, single submitter. Criteria: Invitae Variant Classification Sherloc (09022015). Collection method: clinical testing. Allele origin: germline.
Comment: This sequence change falls in intron 6 of the POLG2 gene. It does not directly change the encoded amino acid sequence of the POLG2 protein. It affects a nucleotide within the consensus splice site. This variant is not present in population databases (gnomAD no frequency). This variant has not been reported in the literature in individuals affected with POLG2-related conditions. Variants that disrupt the consensus splice site are a relatively common cause of aberrant splicing (PMID: 17576681, 9536098). Algorithms developed to predict the effect of sequence changes on RNA splicing suggest that this variant may disrupt the consensus splice site. In summary, the available evidence is currently insufficient to determine the role of this variant in disease. Therefore, it has been classified as a Variant of Uncertain Significance.

Literature cited by the submitters: PubMed 17576681; PubMed 9536098.